The following is an entry in ClinVar:

NM_001277115.2(DNAH11):c.3279T>G (p.Tyr1093Ter)

Genes: DNAH11 (dynein axonemal heavy chain 11; plus strand), LOC126859961 (BRD4-independent group 4 enhancer GRCh37_chr7:21639662-21640861; plus strand). Cytogenetic location: 7p15.3.
Variant type: single nucleotide variant.
Coding change: c.3279T>G on transcript NM_001277115.2 (MANE Select); coding-DNA position 3279, T replaced by G.
Protein change: p.Tyr1093Ter; replaces tyrosine 1093 with a stop codon.
Molecular consequence: nonsense.
Genome position (GRCh38, 1-based): chr7:21,601,033, T>G. VCF-style: chr7-21601033-T-G. GRCh37 (hg19) VCF-style: chr7-21640651-T-G.
Other names: c.3279T>G, p.Tyr1093Ter (NM_003777.3); short protein forms Y1093*.
Identifiers: ClinVar variation 2707068 (VCV002707068.3), dbSNP rs753829354, ClinGen allele CA366945837.
Genomic context (GRCh38, chr7:21,601,033, plus strand): 5'-CACTGAGTTGTTCTAATTAATCTTTTTCTCACTACAGATTGACATTTATGAAGCTTTGTA[T>G]GTTCAAATGAGCAAATTTGAGGACTTTAGAGTGTTTGATAGTTGGTTCAAGGTGGACATG-3'

ClinVar aggregate classification (germline): Pathogenic (1 of 4 stars; one submission).

Conditions:
Primary ciliary dyskinesia. Also called: Ciliary dyskinesia. Identifiers: Orphanet 244, MedGen C0008780, MONDO:0016575, HP:0012265.

Submission:

Labcorp Genetics (formerly Invitae), Labcorp
Classification: Pathogenic for Primary ciliary dyskinesia. Last evaluated: 2024-01-02. Review status: criteria provided, single submitter. Criteria: Invitae Variant Classification Sherloc (09022015). Collection method: clinical testing. Allele origin: germline.
Comment: This sequence change creates a premature translational stop signal (p.Tyr1093*) in the DNAH11 gene. It is expected to result in an absent or disrupted protein product. Loss-of-function variants in DNAH11 are known to be pathogenic (PMID: 18022865, 20513915, 22184204). This variant is not present in population databases (gnomAD no frequency). This variant has not been reported in the literature in individuals affected with DNAH11-related conditions. Algorithms developed to predict the effect of sequence changes on RNA splicing suggest that this variant may disrupt the consensus splice site. For these reasons, this variant has been classified as Pathogenic.

Literature cited by the submitters: PubMed 18022865; PubMed 20513915; PubMed 22184204.